The following is an entry in ClinVar:

NM_014714.4(IFT140):c.1154A>G (p.Gln385Arg)

Genes: IFT140 (intraflagellar transport 140; minus strand), LOC105371046 (uncharacterized LOC105371046; plus strand). Cytogenetic location: 16p13.3.
Variant type: single nucleotide variant.
Coding change: c.1154A>G on transcript NM_014714.4 (MANE Select); coding-DNA position 1154, A replaced by G.
Protein change: p.Gln385Arg; replaces glutamine 385 with arginine.
Molecular consequence: missense variant.
Genome position (GRCh38, 1-based): chr16:1,586,131, T>C on the plus strand (A>G on the coding strand, the complement: IFT140 is on the minus strand). VCF-style: chr16-1586131-T-C. GRCh37 (hg19) VCF-style: chr16-1636132-T-C.
Other names: short protein forms Q385R.
Identifiers: ClinVar variation 4689593 (VCV004689593.1).

ClinVar aggregate classification (germline): Uncertain significance (1 of 4 stars; one submission).

Submission:

Women's Health and Genetics/Laboratory Corporation of America, LabCorp
Classification: Uncertain significance. Last evaluated: 2026-01-30. Review status: criteria provided, single submitter. Criteria: LabCorp Variant Classification Summary - May 2015. Collection method: clinical testing. Allele origin: germline.
Comment: Variant summary: IFT140 c.1154A>G (p.Gln385Arg) results in a conservative amino acid change in the encoded protein sequence. Algorithms developed to predict the effect of missense changes on protein structure and function are either unavailable or do not agree on the potential impact of this missense change. Several computational tools predict a significant impact on normal splicing: Three predict the variant weakens a 5' donor site. One predict the variant abolishes a 5' splicing donor site. However, these predictions have yet to be confirmed by functional studies. The variant was absent in 249872 control chromosomes. The available data on variant occurrences in the general population are insufficient to allow any conclusion about variant significance. To our knowledge, no occurrence of c.1154A>G in individuals affected with IFT140-related conditions and no experimental evidence demonstrating its impact on protein function have been reported. No submitters have cited clinical-significance assessments for this variant to ClinVar. Based on the evidence outlined above, the variant was classified as uncertain significance.